The following is an entry in ClinVar:

NM_002693.3(POLG):c.135G>C (p.Gln45His)

Genes: POLG (DNA polymerase gamma, catalytic subunit; minus strand), POLGARF (POLG alternative reading frame; minus strand). Cytogenetic location: 15q26.1.
Variant type: single nucleotide variant.
Coding change: c.135G>C on transcript NM_002693.3 (MANE Select); coding-DNA position 135, G replaced by C.
Protein change: p.Gln45His; replaces glutamine 45 with histidine.
Molecular consequence: missense variant.
Genome position (GRCh38, 1-based): chr15:89,333,620, C>G on the plus strand (G>C on the coding strand, the complement: POLG is on the minus strand). VCF-style: chr15-89333620-C-G. GRCh37 (hg19) VCF-style: chr15-89876851-C-G.
Other names: c.135G>C, p.Gln45His (NM_001126131.2); short protein forms Q45H.
Identifiers: ClinVar variation 2828214 (VCV002828214.3), dbSNP rs2055628541, ClinGen allele CA393774431.

ClinVar aggregate classification (germline): Uncertain significance (1 of 4 stars; one submission).

Conditions:
Progressive sclerosing poliodystrophy (MTDPS4A). Also called: ALPERS PROGRESSIVE INFANTILE POLIODYSTROPHY; NEURONAL DEGENERATION OF CHILDHOOD WITH LIVER DISEASE, PROGRESSIVE; Alpers Syndrome; ALPERS DIFFUSE DEGENERATION OF CEREBRAL GRAY MATTER WITH HEPATIC CIRRHOSIS; Alpers-Huttenlocher Syndrome; Mitochondrial DNA Depletion Syndrome 4A. Identifiers: Orphanet 726, MedGen C0205710, MONDO:0008758, OMIM 203700.

Submission:

Labcorp Genetics (formerly Invitae), Labcorp
Classification: Uncertain significance for Progressive sclerosing poliodystrophy. Last evaluated: 2023-01-13. Review status: criteria provided, single submitter. Criteria: Invitae Variant Classification Sherloc (09022015). Collection method: clinical testing. Allele origin: germline.
Comment: Advanced modeling of protein sequence and biophysical properties (such as structural, functional, and spatial information, amino acid conservation, physicochemical variation, residue mobility, and thermodynamic stability) performed at Invitae indicates that this missense variant is not expected to disrupt POLG protein function. This sequence change replaces glutamine, which is neutral and polar, with histidine, which is basic and polar, at codon 45 of the POLG protein (p.Gln45His). This variant is not present in population databases (gnomAD no frequency). This variant has not been reported in the literature in individuals affected with POLG-related conditions. In summary, the available evidence is currently insufficient to determine the role of this variant in disease. Therefore, it has been classified as a Variant of Uncertain Significance.